The following is an entry in ClinVar:

ClinVar aggregate classification (germline): Pathogenic (0 of 4 stars; one submission).

Conditions:
Developmental and epileptic encephalopathy, 2 (DEE2). Also called: INFANTILE SPASM SYNDROME, X-LINKED 2; CDKL5 deficiency disorder. Identifiers: Orphanet 1934, Orphanet 3451, Orphanet 505652, MedGen C4750718, MONDO:0010396, OMIM 300672.

Submission:

RettBASE
Classification: Pathogenic for Epileptic encephalopathy, early infantile, 2. Last evaluated: 2014-03-13. Review status: no assertion criteria provided. Collection method: curation. Allele origin: de novo. Affected: yes. Observed: 1 variant allele.
Comment: Protein change prediction based on skipping on exon 4

Literature cited by the submitters: PubMed 21293276.

NM_003159.2(CDKL5):c.100-?_145+?del

Gene: CDKL5 (cyclin dependent kinase like 5; plus strand).
Variant type: Deletion.
Coding change: c.100-?_145+?del on transcript NM_003159.2.
Identifiers: ClinVar variation 189550 (VCV000189550.2).